The following is an entry in ClinVar:

ClinVar aggregate classification (germline): Benign/Likely benign. Review status: criteria provided, multiple submitters, no conflicts (2 of 4 stars). 8 submissions from 8 submitters: Benign (5); Likely benign (3). Last evaluated 2026-01-19.

Conditions:
Hereditary cancer-predisposing syndrome. Also called: Tumor predisposition; Neoplastic Syndromes, Hereditary; Hereditary neoplastic syndrome; Hereditary Cancer Syndrome. Identifiers: Orphanet 140162, MedGen C0027672, MeSH D009386, MONDO:0015356.
Tuberous sclerosis syndrome (TSC). Also called: Tuberous sclerosis; Tuberous Sclerosis Complex. Identifiers: Orphanet 805, MedGen C0041341, MONDO:0001734.
Tuberous sclerosis 2 (TSC2). Identifiers: Orphanet 805, MedGen C1860707, MONDO:0013199, OMIM 613254.

Allele frequency attached by ClinVar (database versions not stated): gnomAD exomes 0.00002 and 0.00004; ExAC 0.00003; ESP Exome Variant Server 0.00008; TOPMed 0.00008; gnomAD 0.00010 and 0.00011; 1000 Genomes Project 30x 0.00031; 1000 Genomes Project 0.00040.

Submissions (8):

Labcorp Genetics (formerly Invitae), Labcorp
Classification: Benign for Tuberous sclerosis 2. Last evaluated: 2026-01-19. Review status: criteria provided, single submitter. Criteria: Invitae Variant Classification Sherloc (09022015). Collection method: clinical testing. Allele origin: germline.

Myriad Genetics, Inc.
Classification: Benign for Tuberous sclerosis 2. Last evaluated: 2025-05-29. Review status: criteria provided, single submitter. Criteria: Myriad Autosomal Dominant, Autosomal Recessive and X-Linked Classification Criteria (2023). Collection method: clinical testing. Allele origin: unknown.
Comment: This variant is considered benign. This variant is a silent/synonymous amino acid change and it is not expected to impact splicing.

Blueprint Genetics
Classification: Likely benign. Last evaluated: 2024-02-13. Review status: criteria provided, single submitter. Criteria: ACMG Guidelines, 2015. Collection method: clinical testing. Allele origin: germline.

KCCC/NGS Laboratory, Kuwait Cancer Control Center
Classification: Likely benign for Tuberous sclerosis 2. Last evaluated: 2023-07-07. Review status: criteria provided, single submitter. Criteria: ACMG Guidelines, 2015. Collection method: clinical testing. Allele origin: germline. Affected: yes.

Color Diagnostics, LLC DBA Color Health
Classification: Benign for Tuberous sclerosis syndrome. Last evaluated: 2022-10-02. Review status: criteria provided, single submitter. Criteria: ACMG Guidelines, 2015. Collection method: clinical testing. Allele origin: germline.

Genome-Nilou Lab
Classification: Benign for Tuberous sclerosis 2. Last evaluated: 2021-11-07. Review status: criteria provided, single submitter. Criteria: ACMG Guidelines, 2015. Collection method: clinical testing. Allele origin: germline. Affected: no.

GeneDx
Classification: Benign. Last evaluated: 2021-06-21. Review status: criteria provided, single submitter. Criteria: GeneDx Variant Classification Process June 2021. Collection method: clinical testing. Allele origin: germline. Affected: yes.

Ambry Genetics
Classification: Likely benign for Hereditary cancer-predisposing syndrome. Last evaluated: 2015-01-06. Review status: criteria provided, single submitter. Criteria: Ambry Variant Classification Scheme 2023. Collection method: clinical testing. Allele origin: germline.

NM_000548.5(TSC2):c.3468A>G (p.Pro1156=)

Gene: TSC2 (TSC complex subunit 2; plus strand). Cytogenetic location: 16p13.3.
Variant type: single nucleotide variant.
Coding change: c.3468A>G on transcript NM_000548.5 (MANE Select); coding-DNA position 3468, A replaced by G.
Protein change: p.Pro1156=; no amino-acid change (proline 1156 retained).
Molecular consequence: synonymous variant.
Genome position (GRCh38, 1-based): chr16:2,080,235, A>G. VCF-style: chr16-2080235-A-G. GRCh37 (hg19) VCF-style: chr16-2130236-A-G.
Other names: c.3468A>G (NM_000548.4); c.3336A>G, p.Pro1112= (NM_001077183.3, NM_001370404.1); c.3468A>G, p.Pro1156= (NM_001114382.3); c.3228A>G, p.Pro1076= (NM_001318827.2); c.3192A>G, p.Pro1064= (NM_001318829.2); c.2736A>G, p.Pro912= (NM_001318831.2); c.3369A>G, p.Pro1123= (NM_001318832.2); c.3339A>G, p.Pro1113= (NM_001363528.2, NM_001370405.1, NM_021055.3).
Identifiers: ClinVar variation 380698 (VCV000380698.20), dbSNP rs147242130, ClinGen allele CA046968.